The following is an entry in ClinVar:

NM_020911.2(PLXNA4):c.4770A>G (p.Pro1590=)

Gene: PLXNA4 (plexin A4; minus strand). Cytogenetic location: 7q32.3.
Variant type: single nucleotide variant.
Coding change: c.4770A>G on transcript NM_020911.2 (MANE Select); coding-DNA position 4770, A replaced by G.
Protein change: p.Pro1590=; no amino-acid change (proline 1590 retained).
Molecular consequence: synonymous variant.
Genome position (GRCh38, 1-based): chr7:132,147,994, T>C on the plus strand (A>G on the coding strand, the complement: PLXNA4 is on the minus strand). VCF-style: chr7-132147994-T-C. GRCh37 (hg19) VCF-style: chr7-131832753-T-C.
Other names: c.4770A>G, p.Pro1590= (NM_001393897.1).
Identifiers: ClinVar variation 3352212 (VCV003352212.1).

ClinVar aggregate classification (germline): Likely benign (0 of 4 stars; one submission).

Conditions:
PLXNA4-related disorder. Also called: PLXNA4-related condition.

Submission:

PreventionGenetics, part of Exact Sciences
Classification: Likely benign for PLXNA4-related condition. Last evaluated: 2021-07-12. Review status: no assertion criteria provided. Collection method: clinical testing. Allele origin: germline.
Comment: This variant is classified as likely benign based on ACMG/AMP sequence variant interpretation guidelines (Richards et al. 2015 PMID: 25741868, with internal and published modifications).